The following is an entry in ClinVar:

ClinVar aggregate classification (germline): Uncertain significance (1 of 4 stars; one submission).

Allele frequency attached by ClinVar (database versions not stated): gnomAD exomes below 0.00001.
gnomAD v4.1: 3 of 1,613,630 alleles (0.00019%); highest among the groups gnomAD compares: Non-Finnish European, 0.00025%; no homozygotes.

Submission:

GeneDx
Classification: Uncertain significance. Last evaluated: 2022-09-01. Review status: criteria provided, single submitter. Criteria: GeneDx Variant Classification Process June 2021. Collection method: clinical testing. Allele origin: germline. Affected: yes.
Comment: Not observed at significant frequency in large population cohorts (gnomAD); In silico analysis supports that this missense variant does not alter protein structure/function; Has not been previously published as pathogenic or benign to our knowledge

NM_014727.3(KMT2B):c.5861C>T (p.Thr1954Ile)

Gene: KMT2B (lysine methyltransferase 2B; plus strand). Cytogenetic location: 19q13.12.
Variant type: single nucleotide variant.
Coding change: c.5861C>T on transcript NM_014727.3 (MANE Select); coding-DNA position 5861, C replaced by T.
Protein change: p.Thr1954Ile; replaces threonine 1954 with isoleucine.
Molecular consequence: missense variant.
Genome position (GRCh38, 1-based): chr19:35,732,410, C>T. VCF-style: chr19-35732410-C-T. GRCh37 (hg19) VCF-style: chr19-36223311-C-T.
Other names: short protein forms T1954I.
Identifiers: ClinVar variation 2442707 (VCV002442707.1), dbSNP rs745710221, ClinGen allele CA307795827.